The following is an entry in ClinVar:

NM_170754.4(TNS2):c.3005G>A (p.Arg1002Gln)

Gene: TNS2 (tensin 2; plus strand). Cytogenetic location: 12q13.13.
Variant type: single nucleotide variant.
Coding change: c.3005G>A on transcript NM_170754.4 (MANE Select); coding-DNA position 3005, G replaced by A.
Protein change: p.Arg1002Gln; replaces arginine 1002 with glutamine.
Molecular consequence: missense variant.
Genome position (GRCh38, 1-based): chr12:53,060,911, G>A. VCF-style: chr12-53060911-G-A. GRCh37 (hg19) VCF-style: chr12-53454695-G-A.
Other names: c.3005G>A, p.Arg1002Gln (NM_001416202.1); c.2963G>A, p.Arg988Gln (NM_001416203.1); c.3032G>A, p.Arg1011Gln (NM_001416204.1); c.2936G>A, p.Arg979Gln (NM_015319.3); c.2633G>A, p.Arg878Gln (NM_198316.2); short protein forms R1002Q, R1011Q, R878Q, R979Q, R988Q.
Identifiers: ClinVar variation 2629037 (VCV002629037.2), dbSNP rs371701805, ClinGen allele CA6592747.

ClinVar aggregate classification (germline): Uncertain significance. Review status: criteria provided, multiple submitters, no conflicts (2 of 4 stars). 2 submissions from 2 submitters: Uncertain significance (2). Last evaluated 2025-01-19.

Conditions:
TNS2-related disorder. Also called: TNS2-related condition.

Allele frequency attached by ClinVar (database versions not stated): ExAC 0.00005; gnomAD 0.00005; TOPMed 0.00005; ESP Exome Variant Server 0.00008.
gnomAD v4.1: 49 of 1,590,032 alleles (0.0031%); highest among the groups gnomAD compares: Middle Eastern, 0.017%; no homozygotes.

Submissions (2):

Ambry Genetics
Classification: Uncertain significance. Last evaluated: 2025-01-19. Review status: criteria provided, single submitter. Criteria: Ambry Variant Classification Scheme 2023. Collection method: clinical testing. Allele origin: germline.

PreventionGenetics, part of Exact Sciences
Classification: Uncertain significance for TNS2-related condition. Last evaluated: 2022-12-14. Review status: criteria provided, single submitter. Criteria: ACMG Guidelines, 2015. Collection method: clinical testing. Allele origin: germline.
Comment: The TNS2 c.3035G>A variant is predicted to result in the amino acid substitution p.Arg1012Gln. To our knowledge, this variant has not been reported in the literature. This variant is reported in 0.026% of alleles in individuals of South Asian descent in gnomAD. At this time, the clinical significance of this variant is uncertain due to the absence of conclusive functional and genetic evidence.